The following is an entry in ClinVar:

ClinVar aggregate classification (germline): Uncertain significance (1 of 4 stars; one submission).

Submission:

Labcorp Genetics (formerly Invitae), Labcorp
Classification: Uncertain significance. Last evaluated: 2025-01-08. Review status: criteria provided, single submitter. Criteria: Invitae Variant Classification Sherloc (09022015). Collection method: clinical testing. Allele origin: germline.
Comment: This sequence change replaces arginine, which is basic and polar, with isoleucine, which is neutral and non-polar, at codon 241 of the EIF2AK2 protein (p.Arg241Ile). This variant also falls at the last nucleotide of exon 9, which is part of the consensus splice site for this exon. This variant is not present in population databases (gnomAD no frequency). This variant has not been reported in the literature in individuals affected with EIF2AK2-related conditions. ClinVar contains an entry for this variant (Variation ID: 2828944). An algorithm developed to predict the effect of missense changes on protein structure and function outputs the following: PolyPhen-2: "Benign". The isoleucine amino acid residue is found in multiple mammalian species, which suggests that this missense change does not adversely affect protein function. Variants that disrupt the consensus splice site are a relatively common cause of aberrant splicing (PMID: 17576681, 9536098). In summary, the available evidence is currently insufficient to determine the role of this variant in disease. Therefore, it has been classified as a Variant of Uncertain Significance.

Literature cited by the submitters: PubMed 17576681; PubMed 9536098.

NM_001135651.3(EIF2AK2):c.722G>T (p.Arg241Ile)

Gene: EIF2AK2 (eukaryotic translation initiation factor 2 alpha kinase 2; minus strand). Cytogenetic location: 2p22.2.
Variant type: single nucleotide variant.
Coding change: c.722G>T on transcript NM_001135651.3 (MANE Select); coding-DNA position 722, G replaced by T.
Protein change: p.Arg241Ile; replaces arginine 241 with isoleucine.
Molecular consequence: missense variant.
Genome position (GRCh38, 1-based): chr2:37,136,983, C>A on the plus strand (G>T on the coding strand, the complement: EIF2AK2 is on the minus strand). VCF-style: chr2-37136983-C-A. GRCh37 (hg19) VCF-style: chr2-37364126-C-A.
Other names: c.722G>T, p.Arg241Ile (NM_001135652.3, NM_002759.4); short protein forms R241I.
Identifiers: ClinVar variation 2828944 (VCV002828944.3), dbSNP rs1558422864, ClinGen allele CA346315492.